The following is an entry in ClinVar:

NM_000051.4(ATM):c.2116T>A (p.Ser706Thr)

Gene: ATM (ATM serine/threonine kinase; plus strand). Cytogenetic location: 11q22.3.
Variant type: single nucleotide variant.
Coding change: c.2116T>A on transcript NM_000051.4 (MANE Select); coding-DNA position 2116, T replaced by A.
Protein change: p.Ser706Thr; replaces serine 706 with threonine.
Molecular consequence: missense variant.
Genome position (GRCh38, 1-based): chr11:108,254,031, T>A. VCF-style: chr11-108254031-T-A. GRCh37 (hg19) VCF-style: chr11-108124758-T-A.
Other names: c.2116T>A, p.Ser706Thr (NM_001351834.2); short protein forms S706T.
Identifiers: ClinVar variation 2984200 (VCV002984200.3), dbSNP rs536609092, ClinGen allele CA382537771.

ClinVar aggregate classification (germline): Uncertain significance (1 of 4 stars; one submission).

Conditions:
Ataxia-telangiectasia syndrome (AT). Also called: Ataxia telangiectasia (A-T); Ataxia-telangiectasia, complementation group D; ATAXIA-TELANGIECTASIA, COMPLEMENTATION GROUP A; ATAXIA-TELANGIECTASIA, FRESNO VARIANT; Ataxia-telangiectasia, complementation group E; LOUIS-BAR SYNDROME. Identifiers: Orphanet 100, MedGen C0004135, MONDO:0008840, OMIM 208900.

Submission:

Labcorp Genetics (formerly Invitae), Labcorp
Classification: Uncertain significance for Ataxia-telangiectasia syndrome. Last evaluated: 2024-10-07. Review status: criteria provided, single submitter. Criteria: Invitae Variant Classification Sherloc (09022015). Collection method: clinical testing. Allele origin: germline.
Comment: This sequence change replaces serine, which is neutral and polar, with threonine, which is neutral and polar, at codon 706 of the ATM protein (p.Ser706Thr). This variant is not present in population databases (gnomAD no frequency). This variant has not been reported in the literature in individuals affected with ATM-related conditions. Invitae Evidence Modeling of protein sequence and biophysical properties (such as structural, functional, and spatial information, amino acid conservation, physicochemical variation, residue mobility, and thermodynamic stability) indicates that this missense variant is not expected to disrupt ATM protein function with a negative predictive value of 95%. In summary, the available evidence is currently insufficient to determine the role of this variant in disease. Therefore, it has been classified as a Variant of Uncertain Significance.